The following is an entry in ClinVar:

ClinVar aggregate classification (germline): Uncertain significance (1 of 4 stars; one submission).

Allele frequency attached by ClinVar (database versions not stated): ExAC 0.00001; gnomAD 0.00001; gnomAD exomes 0.00001; TOPMed 0.00001; ESP Exome Variant Server 0.00008.
gnomAD v4.1: 11 of 1,614,132 alleles (0.00068%); highest among the groups gnomAD compares: African/African-American, 0.0013%; no homozygotes.

Submission:

Ambry Genetics
Classification: Uncertain significance. Last evaluated: 2023-01-05. Review status: criteria provided, single submitter. Criteria: Ambry Variant Classification Scheme 2023. Collection method: clinical testing. Allele origin: germline.
Comment: The p.H253R variant (also known as c.758A>G), located in coding exon 3 of the ALPK2 gene, results from an A to G substitution at nucleotide position 758. The histidine at codon 253 is replaced by arginine, an amino acid with highly similar properties. This amino acid position is conserved. In addition, this alteration is predicted to be tolerated by in silico analysis. Since supporting evidence is limited at this time, the clinical significance of this alteration remains unclear.

NM_052947.4(ALPK2):c.758A>G (p.His253Arg)

Genes: ALPK2 (alpha kinase 2; minus strand), LOC114803473 (ALPK2 eExon liver enhancer; plus strand). Cytogenetic location: 18q21.31.
Variant type: single nucleotide variant.
Coding change: c.758A>G on transcript NM_052947.4 (MANE Select); coding-DNA position 758, A replaced by G.
Protein change: p.His253Arg; replaces histidine 253 with arginine.
Molecular consequence: missense variant.
Genome position (GRCh38, 1-based): chr18:58,580,018, T>C on the plus strand (A>G on the coding strand, the complement: ALPK2 is on the minus strand). VCF-style: chr18-58580018-T-C. GRCh37 (hg19) VCF-style: chr18-56247250-T-C.
Other names: short protein forms H253R.
Identifiers: ClinVar variation 2450938 (VCV002450938.2), dbSNP rs375934056, ClinGen allele CA8977390.